The following is an entry in ClinVar:

NM_152906.7(TANGO2):c.737C>T (p.Ala246Val)

Gene: TANGO2 (transport and golgi organization 2 homolog; plus strand). Cytogenetic location: 22q11.21.
Variant type: single nucleotide variant.
Coding change: c.737C>T on transcript NM_152906.7 (MANE Select); coding-DNA position 737, C replaced by T.
Protein change: p.Ala246Val; replaces alanine 246 with valine.
Molecular consequence: missense variant. On other transcripts: synonymous variant (5), 3 prime UTR variant (2), non-coding transcript variant (5).
Genome position (GRCh38, 1-based): chr22:20,064,568, C>T. VCF-style: chr22-20064568-C-T. GRCh37 (hg19) VCF-style: chr22-20052091-C-T.
Other names: c.737C>T, p.Ala246Val (NM_001283106.3, NM_001283116.3); c.860C>T, p.Ala287Val (NM_001283129.3, NM_001322143.2); c.735C>T, p.Cys245= (NM_001283148.3, NM_001283154.3); c.551C>T, p.Ala184Val (NM_001283179.3, NM_001283186.3, NM_001322163.2 and 2 more transcripts); c.512C>T, p.Ala171Val (NM_001283199.3); c.*4C>T (NM_001283215.3); c.443C>T, p.Ala148Val (NM_001283235.3, NM_001322171.2, NM_001322172.2 and 3 more transcripts); c.*73C>T (NM_001283248.3); and 10 more; short protein forms A212V, A246V, A264V, A148V, A171V, A287V, A298V, A339V.
Identifiers: ClinVar variation 1950312 (VCV001950312.4), dbSNP rs760638813, ClinGen allele CA10106567.

ClinVar aggregate classification (germline): Uncertain significance. Review status: criteria provided, multiple submitters, no conflicts (2 of 4 stars). 2 submissions from 2 submitters: Uncertain significance (2). Last evaluated 2023-08-10.

Conditions:
Inborn genetic diseases. Identifiers: MedGen C0950123, MeSH D030342.

Allele frequency attached by ClinVar (database versions not stated): TOPMed 0.00001; ExAC 0.00002; gnomAD exomes 0.00002.
gnomAD v4.1: 34 of 1,614,128 alleles (0.0021%); highest among the groups gnomAD compares: Non-Finnish European, 0.0025%; no homozygotes.

Submissions (2):

Ambry Genetics
Classification: Uncertain significance for Inborn genetic diseases. Last evaluated: 2023-08-10. Review status: criteria provided, single submitter. Criteria: Ambry Variant Classification Scheme 2023. Collection method: clinical testing. Allele origin: germline.

Labcorp Genetics (formerly Invitae), Labcorp
Classification: Uncertain significance. Last evaluated: 2022-05-17. Review status: criteria provided, single submitter. Criteria: Invitae Variant Classification Sherloc (09022015). Collection method: clinical testing. Allele origin: germline.
Comment: This sequence change replaces alanine, which is neutral and non-polar, with valine, which is neutral and non-polar, at codon 246 of the TANGO2 protein (p.Ala246Val). This variant is present in population databases (rs760638813, gnomAD 0.003%). This variant has not been reported in the literature in individuals affected with TANGO2-related conditions. Algorithms developed to predict the effect of missense changes on protein structure and function output the following: SIFT: "Not Available"; PolyPhen-2: "Benign"; Align-GVGD: "Not Available". The valine amino acid residue is found in multiple mammalian species, which suggests that this missense change does not adversely affect protein function. In summary, the available evidence is currently insufficient to determine the role of this variant in disease. Therefore, it has been classified as a Variant of Uncertain Significance.